The following is an entry in ClinVar:

ClinVar aggregate classification (germline): Uncertain significance (1 of 4 stars; one submission).

Conditions:
Glycogen storage disease, type II (IOPD). Also called: Pompe Disease; CARDIOMEGALIA GLYCOGENICA DIFFUSA; GLYCOGENOSIS, GENERALIZED, CARDIAC FORM; GSD II; POMPE DISEASE, INFANTILE-ONSET; GLYCOGEN STORAGE DISEASE II, INFANTILE-ONSET. Identifiers: Orphanet 365, MedGen C0017921, MONDO:0009290, OMIM 232300.

Submission:

Genomenon, Inc
Classification: Uncertain significance for Glycogen storage disease, type II. Last evaluated: 2026-07-01. Review status: criteria provided, single submitter. Criteria: Genomenon Sequence Variant Interpretation Standards - Updated. Collection method: curation. Allele origin: germline. Affected: yes.
Comment: GAA p.Asp860Asn (c.2578G>A) is a missense variant that changes the amino acid at codon 860 from Aspartic acid to Asparagine. This variant has been observed in at least one proband with a GAA-related disorder in the compound heterozygous and/or homozygous state (PMID:29124014). It is absent or not present at a significant frequency in gnomAD. In silico models predict that this variant is possibly or probably damaging. In conclusion, we classify GAA p.Asp860Asn (c.2578G>A) as a variant of uncertain significance.

Literature cited by the submitters: PubMed 29124014.

NM_000152.5(GAA):c.2578G>A (p.Asp860Asn)

Gene: GAA (alpha glucosidase; plus strand). Cytogenetic location: 17q25.3.
Variant type: single nucleotide variant.
Coding change: c.2578G>A on transcript NM_000152.5 (MANE Select); coding-DNA position 2578, G replaced by A.
Protein change: p.Asp860Asn; replaces aspartic acid 860 with asparagine.
Molecular consequence: missense variant.
Genome position (GRCh38, 1-based): chr17:80,118,289, G>A. VCF-style: chr17-80118289-G-A. GRCh37 (hg19) VCF-style: chr17-78092088-G-A.
Other names: c.2578G>A, p.Asp860Asn (NM_001079803.3, NM_001079804.3, NM_001406741.1 and 1 more transcripts); short protein forms D860N.
Identifiers: ClinVar variation 4876478 (VCV004876478.1).